The following is an entry in ClinVar:

ClinVar aggregate classification (germline): Uncertain significance. Review status: criteria provided, multiple submitters, no conflicts (2 of 4 stars). 2 submissions from 2 submitters: Uncertain significance (2). Last evaluated 2024-06-11.

Conditions:
Orofaciodigital syndrome type 6 (OFD6). Also called: OROFACIODIGITAL SYNDROME VI; OFDS VI; POLYDACTYLY, CLEFT LIP/PALATE OR LINGUAL LUMP, AND PSYCHOMOTOR RETARDATION; VARADI SYNDROME; VARADI-PAPP SYNDROME; Oral-facial-digital syndrome type 6. Identifiers: Orphanet 2754, MedGen C2745997, MONDO:0010176, OMIM 277170.
Joubert syndrome 17 (JBTS17). Identifiers: Orphanet 475, MedGen C3553264, MONDO:0013824, OMIM 614615.

Allele frequency attached by ClinVar (database versions not stated): gnomAD exomes below 0.00001.
gnomAD v4.1: 2 of 1,610,032 alleles (0.00012%); highest among the groups gnomAD compares: Non-Finnish European, 0.00017%; no homozygotes.

Submissions (2):

Fulgent Genetics
Classification: Uncertain significance for Orofaciodigital syndrome type 6; Joubert syndrome 17. Last evaluated: 2024-06-11. Review status: criteria provided, single submitter. Criteria: ACMG Guidelines, 2015. Collection method: clinical testing. Allele origin: germline.

Labcorp Genetics (formerly Invitae), Labcorp
Classification: Uncertain significance. Last evaluated: 2022-08-10. Review status: criteria provided, single submitter. Criteria: Invitae Variant Classification Sherloc (09022015). Collection method: clinical testing. Allele origin: germline.
Comment: Advanced modeling of protein sequence and biophysical properties (such as structural, functional, and spatial information, amino acid conservation, physicochemical variation, residue mobility, and thermodynamic stability) performed at Invitae indicates that this missense variant is not expected to disrupt CPLANE1 protein function. In summary, the available evidence is currently insufficient to determine the role of this variant in disease. Therefore, it has been classified as a Variant of Uncertain Significance. This variant has not been reported in the literature in individuals affected with CPLANE1-related conditions. This variant is not present in population databases (gnomAD no frequency). This sequence change replaces glutamic acid, which is acidic and polar, with aspartic acid, which is acidic and polar, at codon 2495 of the CPLANE1 protein (p.Glu2495Asp).

NM_001384732.1(CPLANE1):c.7485G>T (p.Glu2495Asp)

Gene: CPLANE1 (ciliogenesis and planar polarity effector complex subunit 1; minus strand). Cytogenetic location: 5p13.2.
Variant type: single nucleotide variant.
Coding change: c.7485G>T on transcript NM_001384732.1 (MANE Select); coding-DNA position 7485, G replaced by T.
Protein change: p.Glu2495Asp; replaces glutamic acid 2495 with aspartic acid.
Molecular consequence: missense variant.
Genome position (GRCh38, 1-based): chr5:37,165,587, C>A on the plus strand (G>T on the coding strand, the complement: CPLANE1 is on the minus strand). VCF-style: chr5-37165587-C-A. GRCh37 (hg19) VCF-style: chr5-37165689-C-A.
Other names: c.7485G>T, p.Glu2495Asp (NM_023073.4); c.7485G>T (NM_023073.3); short protein forms E2495D.
Identifiers: ClinVar variation 2041882 (VCV002041882.5), dbSNP rs2547499004, ClinGen allele CA359476327.